The following is an entry in ClinVar:

NM_002474.3(MYH11):c.2681A>G (p.Glu894Gly)

Gene: MYH11 (myosin heavy chain 11; minus strand). Cytogenetic location: 16p13.11.
Variant type: single nucleotide variant.
Coding change: c.2681A>G on transcript NM_002474.3 (MANE Select); coding-DNA position 2681, A replaced by G.
Protein change: p.Glu894Gly; replaces glutamic acid 894 with glycine.
Molecular consequence: missense variant.
Genome position (GRCh38, 1-based): chr16:15,741,641, T>C on the plus strand (A>G on the coding strand, the complement: MYH11 is on the minus strand). VCF-style: chr16-15741641-T-C. GRCh37 (hg19) VCF-style: chr16-15835498-T-C.
Other names: c.2702A>G, p.Glu901Gly (NM_001040113.2, NM_001040114.2); c.2681A>G, p.Glu894Gly (NM_022844.3); short protein forms E894G, E901G.
Identifiers: ClinVar variation 2773838 (VCV002773838.2), dbSNP rs2506206319, ClinGen allele CA394865786.

ClinVar aggregate classification (germline): Uncertain significance (1 of 4 stars; one submission).

Conditions:
Familial thoracic aortic aneurysm and aortic dissection (TAAD). Also called: Thoracic aortic aneurysms and dissections. Identifiers: Orphanet 91387, MedGen C4707243, MONDO:0019625.

Submission:

Color Diagnostics, LLC DBA Color Health
Classification: Uncertain significance for Familial thoracic aortic aneurysm and aortic dissection. Last evaluated: 2024-03-06. Review status: criteria provided, single submitter. Criteria: ACMG Guidelines, 2015. Collection method: clinical testing. Allele origin: germline.
Comment: This missense variant replaces glutamic acid with glycine at codon 901 of the MYH11 protein. Computational prediction is inconclusive regarding the impact of this variant on protein structure and function (internally defined REVEL score threshold 0.5 < inconclusive < 0.7, PMID: 27666373). To our knowledge, functional studies have not been reported for this variant. This variant has not been reported in individuals affected with cardiovascular disorders in the literature. This variant has not been identified in the general population by the Genome Aggregation Database (gnomAD). The available evidence is insufficient to determine the role of this variant in disease conclusively. Therefore, this variant is classified as a Variant of Uncertain Significance.